The following is an entry in ClinVar:

NM_001023570.4(IQCB1):c.482A>G (p.Gln161Arg)

Gene: IQCB1 (IQ motif containing B1; minus strand). Cytogenetic location: 3q13.33.
Variant type: single nucleotide variant.
Coding change: c.482A>G on transcript NM_001023570.4 (MANE Select); coding-DNA position 482, A replaced by G.
Protein change: p.Gln161Arg; replaces glutamine 161 with arginine.
Molecular consequence: missense variant. On other transcripts: non-coding transcript variant (1).
Genome position (GRCh38, 1-based): chr3:121,808,921, T>C on the plus strand (A>G on the coding strand, the complement: IQCB1 is on the minus strand). VCF-style: chr3-121808921-T-C. GRCh37 (hg19) VCF-style: chr3-121527768-T-C.
Other names: c.482A>G, p.Gln161Arg (NM_001023571.4, NM_001319107.2); short protein forms Q161R.
Identifiers: ClinVar variation 342782 (VCV000342782.10), dbSNP rs376700204, ClinGen allele CA2567416.

ClinVar aggregate classification (germline): Uncertain significance. Review status: criteria provided, multiple submitters, no conflicts (2 of 4 stars). 5 submissions from 5 submitters: Uncertain significance (4). 1 of the submissions does not count toward it. Last evaluated 2025-01-22.

Conditions:
IQCB1-related disorder. Also called: IQCB1-related condition.
Nephronophthisis. Also called: Juvenile Nephronophthisis. Identifiers: Orphanet 655, MedGen C0687120, MONDO:0019005, HP:0000090.
Inborn genetic diseases. Identifiers: MedGen C0950123, MeSH D030342.
Senior-Loken syndrome 5 (SLSN5). Identifiers: Orphanet 3156, MedGen C1836517, MONDO:0012225, OMIM 609254.

Allele frequency attached by ClinVar (database versions not stated): ExAC 0.00001; gnomAD 0.00003 and 0.00004; gnomAD exomes 0.00003; TOPMed 0.00004; ESP Exome Variant Server 0.00008.

Submissions (5):

Ambry Genetics
Classification: Uncertain significance for Inborn genetic diseases. Last evaluated: 2025-01-22. Review status: criteria provided, single submitter. Criteria: Ambry Variant Classification Scheme 2023. Collection method: clinical testing. Allele origin: germline.

Labcorp Genetics (formerly Invitae), Labcorp
Classification: Uncertain significance for Nephronophthisis. Last evaluated: 2022-08-20. Review status: criteria provided, single submitter. Criteria: Invitae Variant Classification Sherloc (09022015). Collection method: clinical testing. Allele origin: germline.
Comment: This sequence change replaces glutamine, which is neutral and polar, with arginine, which is basic and polar, at codon 161 of the IQCB1 protein (p.Gln161Arg). This variant is present in population databases (rs376700204, gnomAD 0.009%). This variant has not been reported in the literature in individuals affected with IQCB1-related conditions. ClinVar contains an entry for this variant (Variation ID: 342782). Algorithms developed to predict the effect of missense changes on protein structure and function (SIFT, PolyPhen-2, Align-GVGD) all suggest that this variant is likely to be tolerated. Algorithms developed to predict the effect of sequence changes on RNA splicing suggest that this variant may create or strengthen a splice site. In summary, the available evidence is currently insufficient to determine the role of this variant in disease. Therefore, it has been classified as a Variant of Uncertain Significance.

Fulgent Genetics
Classification: Uncertain significance for Senior-Loken syndrome 5. Last evaluated: 2021-07-06. Review status: criteria provided, single submitter. Criteria: ACMG Guidelines, 2015. Collection method: clinical testing. Allele origin: unknown.

Illumina Laboratory Services, Illumina
Classification: Uncertain significance for Senior-Loken syndrome 5. Last evaluated: 2018-01-13. Review status: criteria provided, single submitter. Criteria: ICSL Variant Classification Criteria 13 December 2019. Collection method: clinical testing. Allele origin: germline.

PreventionGenetics, part of Exact Sciences
Classification: Uncertain significance for IQCB1-related condition. Last evaluated: 2024-04-09. Review status: no assertion criteria provided. Collection method: clinical testing. Allele origin: germline. Not counted in ClinVar's aggregate classification.
Comment: The IQCB1 c.482A>G variant is predicted to result in the amino acid substitution p.Gln161Arg. To our knowledge, this variant has not been reported in the literature. This variant is reported in 0.0087% of alleles in individuals of Latino descent in gnomAD. At this time, the clinical significance of this variant is uncertain due to the absence of conclusive functional and genetic evidence.